The following is an entry in ClinVar:

NM_007315.4(STAT1):c.776T>C (p.Leu259Pro)

Gene: STAT1 (signal transducer and activator of transcription 1; minus strand). Cytogenetic location: 2q32.2.
Variant type: single nucleotide variant.
Coding change: c.776T>C on transcript NM_007315.4 (MANE Select); coding-DNA position 776, T replaced by C.
Protein change: p.Leu259Pro; replaces leucine 259 with proline.
Molecular consequence: missense variant.
Genome position (GRCh38, 1-based): chr2:190,997,865, A>G on the plus strand (T>C on the coding strand, the complement: STAT1 is on the minus strand). VCF-style: chr2-190997865-A-G. GRCh37 (hg19) VCF-style: chr2-191862591-A-G.
Other names: c.776T>C, p.Leu259Pro (NM_001384880.1, NM_001384882.1, NM_001384885.1 and 5 more transcripts); c.782T>C, p.Leu261Pro (NM_001384881.1, NM_001384884.1); c.677T>C, p.Leu226Pro (NM_001384883.1); c.686T>C, p.Leu229Pro (NM_001384890.1); c.812T>C, p.Leu271Pro (NM_001384891.1); short protein forms L226P, L229P, L259P, L261P, L271P.
Identifiers: ClinVar variation 1526157 (VCV001526157.1), dbSNP rs2125069735, ClinGen allele CA349922483.

ClinVar aggregate classification (germline): Uncertain significance (1 of 4 stars; one submission).

Conditions:
Autoimmune enteropathy and endocrinopathy - susceptibility to chronic infections syndrome. Also called: Immunodeficiency 31C; Immunodeficiency 31C, autosomal dominant. Identifiers: Orphanet 391487, MedGen C3279990, MONDO:0013599, OMIM 614162.

Submission:

3billion
Classification: Uncertain significance for Autoimmune enteropathy and endocrinopathy - susceptibility to chronic infections syndrome. Last evaluated: 2022-03-22. Review status: criteria provided, single submitter. Criteria: ACMG Guidelines, 2015. Collection method: clinical testing. Allele origin: germline. Affected: yes. Observed: 1 heterozygote.
Comment: The variant is not observed in the gnomAD v2.1.1 dataset. In silico tool predictions suggest damaging effect of the variant on gene or gene product (REVEL: 0.908>=0.6, 3CNET: 0.983>=0.75). A missense variant is a common mechanism . Therefore, this variant is classified as uncertain significance according to the recommendation of ACMG/AMP guideline.